The following is an entry in ClinVar:

ClinVar aggregate classification (germline): Likely benign (1 of 4 stars; one submission).

Allele frequency attached by ClinVar (database versions not stated): gnomAD exomes 0.00129; gnomAD 0.00712; TOPMed 0.00720; 1000 Genomes Project 30x 0.01312; 1000 Genomes Project 0.01398.
gnomAD v4.1: 2,951 of 1,566,382 alleles (0.19%); highest among the groups gnomAD compares: African/African-American, 2.3%; 36 homozygotes.

Submission:

GeneDx
Classification: Likely benign. Last evaluated: 2021-11-02. Review status: criteria provided, single submitter. Criteria: GeneDx Variant Classification Process June 2021. Collection method: clinical testing. Allele origin: germline. Affected: yes.
Comment: See Variant Classification Assertion Criteria.

NM_145649.5(GCNT2):c.926-35472G>A

Gene: GCNT2 (glucosaminyl (N-acetyl) transferase 2 (I blood group); plus strand). Cytogenetic location: 6p24.3.
Variant type: single nucleotide variant.
Coding change: c.926-35472G>A on transcript NM_145649.5 (MANE Select); 35472 bases into the intron before coding-DNA position 926, G replaced by A.
Molecular consequence: intron variant. On other transcripts: 5 prime UTR variant (1).
Genome position (GRCh38, 1-based): chr6:10,585,879, G>A. VCF-style: chr6-10585879-G-A. GRCh37 (hg19) VCF-style: chr6-10586112-G-A.
Other names: c.-111G>A (NM_145655.4); c.926-35472G>A (NM_001374747.1); c.919+28537G>A (NM_001491.3).
Identifiers: ClinVar variation 1706921 (VCV001706921.2), dbSNP rs115219599, ClinGen allele CA134081241.